The following is an entry in ClinVar:

ClinVar aggregate classification (germline): Pathogenic (1 of 4 stars; one submission).

Conditions:
Combined immunodeficiency due to STK4 deficiency (IMD110). Also called: STK4 DEFICIENCY; MST1 DEFICIENCY; T-cell immunodeficiency, recurrent infections, and autoimmunity with or without cardiac malformations. Identifiers: Orphanet 314689, MedGen C3553943, MONDO:0013934, OMIM 614868.

Submission:

Labcorp Genetics (formerly Invitae), Labcorp
Classification: Pathogenic for Combined immunodeficiency due to STK4 deficiency. Last evaluated: 2022-08-01. Review status: criteria provided, single submitter. Criteria: Invitae Variant Classification Sherloc (09022015). Collection method: clinical testing. Allele origin: germline.
Comment: A gross deletion of the genomic region encompassing the full coding sequence of the STK4 gene has been identified. Loss-of-function variants in STK4 are known to be pathogenic (PMID: 22174160). The boundaries of this event are unknown as they extend beyond the assayed region for this gene and therefore may encompass additional genes. This variant has not been reported in the literature in individuals affected with STK4-related conditions. For these reasons, this variant has been classified as Pathogenic.

Literature cited by the submitters: PubMed 22174160.

NC_000020.10:g.(?_42223339)_(44638757_?)del

Genes: ACOT8 (acyl-CoA thioesterase 8; minus strand), ADA (adenosine deaminase; minus strand), CCN5 (cellular communication network factor 5; plus strand), CTSA (cathepsin A; plus strand), DBNDD2 (dysbindin domain containing 2; plus strand) and 57 more. Cytogenetic location: 20q13.12.
Variant type: Deletion.
Identifiers: ClinVar variation 2425559 (VCV002425559.2).